The following is an entry in ClinVar:

ClinVar aggregate classification (germline): Conflicting classifications of pathogenicity. Review status: criteria provided, conflicting classifications (1 of 4 stars). 9 submissions from 9 submitters: Uncertain significance (6); Likely benign (3). Last evaluated 2025-12-20.

Conditions:
MYBPC3-related disorder. Also called: MYBPC3-related disorders; MYBPC3-related condition; MYBPC3-related disease.
Cardiovascular phenotype. Identifiers: MedGen CN230736.
Cardiomyopathy (CMYO). Also called: Cardiomyopathies. Identifiers: Orphanet 167848, MedGen C0878544, MONDO:0004994, HP:0001638. Inheritance: Various modes of inheritance.
Hypertrophic cardiomyopathy. Also called: HYPERTROPHIC MYOCARDIOPATHY. Identifiers: Orphanet 217569, MedGen C0007194, MeSH D002312, MONDO:0005045, HP:0001639.

Allele frequency attached by ClinVar (database versions not stated): gnomAD 0.00006 and 0.00005; TOPMed 0.00006; ExAC 0.00009; gnomAD exomes 0.00010 and 0.00005; 1000 Genomes Project 30x 0.00016; 1000 Genomes Project 0.00020.
gnomAD v4.1: 90 of 1,599,838 alleles (0.0056%); highest among the groups gnomAD compares: South Asian, 0.054%; 2 homozygotes.

Submissions (9):

Labcorp Genetics (formerly Invitae), Labcorp
Classification: Uncertain significance for Hypertrophic cardiomyopathy. Last evaluated: 2025-12-20. Review status: criteria provided, single submitter. Criteria: Invitae Variant Classification Sherloc (09022015). Collection method: clinical testing. Allele origin: germline.
Comment: This sequence change falls in intron 29 of the MYBPC3 gene. It does not directly change the encoded amino acid sequence of the MYBPC3 protein. It affects a nucleotide within the consensus splice site. This variant is present in population databases (rs571457875, gnomAD 0.06%), and has an allele count higher than expected for a pathogenic variant. This variant has been observed in individual(s) with hypertrophic cardiomyopathy (PMID: 29121657). ClinVar contains an entry for this variant (Variation ID: 181003). Variants that disrupt the consensus splice site are a relatively common cause of aberrant splicing (PMID: 17576681, 9536098). Studies have shown that this variant alters mRNA splicing and is expected to lead to the loss of protein expression (PMID: 28679633). In summary, the available evidence is currently insufficient to determine the role of this variant in disease. Therefore, it has been classified as a Variant of Uncertain Significance.

PreventionGenetics, part of Exact Sciences
Classification: Likely benign for MYBPC3-related condition. Last evaluated: 2025-09-30. Review status: criteria provided, single submitter. Criteria: ACMG Guidelines, 2015. Collection method: clinical testing. Allele origin: germline.
Comment: This variant is classified as likely benign based on ACMG/AMP sequence variant interpretation guidelines (Richards et al. 2015 PMID: 25741868, with internal and published modifications).

Ambry Genetics
Classification: Likely benign for Cardiovascular phenotype. Last evaluated: 2024-12-19. Review status: criteria provided, single submitter. Criteria: Ambry Variant Classification Scheme 2023. Collection method: clinical testing. Allele origin: germline.

GeneDx
Classification: Uncertain significance. Last evaluated: 2023-06-27. Review status: criteria provided, single submitter. Criteria: GeneDx Variant Classification Process June 2021. Collection method: clinical testing. Allele origin: germline. Affected: yes.
Comment: In silico analysis supports that this variant does not alter splicing; Reported in an individual with cardiomyopathy in published literature who harbored additional cardiogenetic variants (Headrick et al., 2019); This variant is associated with the following publications: (PMID: 28679633, 29121657, 30985088)

CHEO Genetics Diagnostic Laboratory, Children's Hospital of Eastern Ontario
Classification: Uncertain significance for Cardiomyopathy. Last evaluated: 2023-06-23. Review status: criteria provided, single submitter. Criteria: ACMG Guidelines, 2015. Collection method: clinical testing. Allele origin: germline.

Blueprint Genetics
Classification: Uncertain significance. Last evaluated: 2022-11-25. Review status: criteria provided, single submitter. Criteria: ACMG Guidelines, 2015. Collection method: clinical testing. Allele origin: germline.

Women's Health and Genetics/Laboratory Corporation of America, LabCorp
Classification: Uncertain significance. Last evaluated: 2020-10-19. Review status: criteria provided, single submitter. Criteria: LabCorp Variant Classification Summary - May 2015. Collection method: clinical testing. Allele origin: germline.
Comment: Variant summary: MYBPC3 c.3190+4C>T alters a non-conserved nucleotide located close to a canonical splice site and therefore could affect mRNA splicing, leading to a significantly altered protein sequence. 4/4 computational tools predict no significant impact on normal splicing. Experimental evidence supports these predictions demonstrating the variant does not cause significantly altered splicing in a cell-based minigene assay (Ito_2017). The variant allele was found at a frequency of 9.6e-05 in 238768 control chromosomes, predominantly at a frequency of 0.00059 within the South Asian subpopulation in the gnomAD database. This frequency is not higher than expected for a pathogenic variant in MYBPC3 causing Cardiomyopathy (0.00059 vs 0.001), allowing no conclusion about variant significance. c.3190+4C>T has been reported in the literature in individuals affected with Cardiomyopathy (e.g. Headrick_2019). These report(s) do not provide unequivocal conclusions about association of the variant with Cardiomyopathy. A co-occurrence with a pathogenic variant has been reported (MYBPC3 c.3330+5G>C; Internal testing). Four ClinVar submitters (evaluation after 2014) cite the variant as uncertain significance while one ClinVar submitter (evaluation after 2014) cites it as likely benign. Based on the evidence outlined above, the variant was classified as uncertain significance.

Color Diagnostics, LLC DBA Color Health
Classification: Likely benign for Cardiomyopathy. Last evaluated: 2019-01-24. Review status: criteria provided, single submitter. Criteria: ACMG Guidelines, 2015. Collection method: clinical testing. Allele origin: germline.

Laboratory for Molecular Medicine, Mass General Brigham Personalized Medicine
Classification: Uncertain significance. Last evaluated: 2015-10-28. Review status: criteria provided, single submitter. Criteria: LMM Criteria. Collection method: clinical testing. Allele origin: germline. Observed: 1 variant allele.
Comment: The c.3190+4C>T variant in MYBPC3 has not been previously reported in individual s with cardiomyopathy, but has been identified in 9/16308 South Asian chromosome s by the Exome Aggregation Consortium (ExAC; dbS NP rs571457875). This variant is located in the 5' splice region. Computational tools do not suggest an impact to splicing. However, this information is not pre dictive enough to rule out pathogenicity. In summary, the clinical significance of the c.3190+4C>T variant is uncertain.

Literature cited by the submitters: PubMed 29121657 (cited by 3 submitters); PubMed 17576681 (cited by Labcorp Genetics (formerly Invitae), Labcorp); PubMed 9536098 (cited by Labcorp Genetics (formerly Invitae), Labcorp); PubMed 28679633 (cited by 3 submitters); PubMed 30985088 (cited by Ambry Genetics and Women's Health and Genetics/Laboratory Corporation of America, LabCorp).

NM_000256.3(MYBPC3):c.3190+4C>T

Gene: MYBPC3 (myosin binding protein C3; minus strand). Cytogenetic location: 11p11.2.
Variant type: single nucleotide variant.
Coding change: c.3190+4C>T on transcript NM_000256.3 (MANE Select); 4 bases into the intron after coding-DNA position 3190, C replaced by T.
Molecular consequence: intron variant.
Genome position (GRCh38, 1-based): chr11:47,333,553, G>A on the plus strand (C>T on the coding strand, the complement: MYBPC3 is on the minus strand). VCF-style: chr11-47333553-G-A. GRCh37 (hg19) VCF-style: chr11-47355104-G-A.
Identifiers: ClinVar variation 181003 (VCV000181003.26), dbSNP rs571457875, ClinGen allele CA013630.
Genomic context (GRCh38, chr11:47,333,553, plus strand): 5'-TGGCCCCAGCAGCCCAGCCCAGGGAAGGGAAACAAGGGGGCTCAAGGAGGCCTTGGCCAC[G>A]CACCAACAACCTGCAGCACCAGCGTGGCCTTGTCCTCCATGTTCTCAATGCGCACCGTCA-3'